The following is an entry in ClinVar:

ClinVar aggregate classification (germline): Likely pathogenic (1 of 4 stars; one submission).

Conditions:
Glycogen storage disease, type II (IOPD). Also called: Pompe Disease; CARDIOMEGALIA GLYCOGENICA DIFFUSA; GLYCOGENOSIS, GENERALIZED, CARDIAC FORM; GSD II; POMPE DISEASE, INFANTILE-ONSET; GLYCOGEN STORAGE DISEASE II, INFANTILE-ONSET. Identifiers: Orphanet 365, MedGen C0017921, MONDO:0009290, OMIM 232300.

Submission:

Genomenon, Inc
Classification: Likely pathogenic for Glycogen storage disease, type II. Last evaluated: 2026-07-01. Review status: criteria provided, single submitter. Criteria: Genomenon Sequence Variant Interpretation Standards - Updated. Collection method: curation. Allele origin: germline. Affected: yes.
Comment: GAA p.Cys374Phe (c.1121G>T) is a missense variant that changes the amino acid at codon 374 from Cysteine to Phenylalanine. This variant has been observed in at least one proband with a GAA-related disorder in the compound heterozygous and/or homozygous state (PMID:33073003;37185710). The presence of pathogenic/likely pathogenic missense variant(s) at the same amino acid position indicates that this residue is likely important for protein function. It is absent or not present at a significant frequency in gnomAD. In silico models predict that this variant is possibly or probably damaging. In conclusion, we classify GAA p.Cys374Phe (c.1121G>T) as a likely pathogenic variant.

Literature cited by the submitters: PubMed 33073003; PubMed 37185710.

NM_000152.5(GAA):c.1121G>T (p.Cys374Phe)

Gene: GAA (alpha glucosidase; plus strand). Cytogenetic location: 17q25.3.
Variant type: single nucleotide variant.
Coding change: c.1121G>T on transcript NM_000152.5 (MANE Select); coding-DNA position 1121, G replaced by T.
Protein change: p.Cys374Phe; replaces cysteine 374 with phenylalanine.
Molecular consequence: missense variant.
Genome position (GRCh38, 1-based): chr17:80,108,534, G>T. VCF-style: chr17-80108534-G-T. GRCh37 (hg19) VCF-style: chr17-78082333-G-T.
Other names: c.1121G>T, p.Cys374Phe (NM_001079803.3, NM_001079804.3, NM_001406741.1 and 1 more transcripts); short protein forms C374F.
Identifiers: ClinVar variation 4876455 (VCV004876455.1).